The following is an entry in ClinVar:

NM_000138.5(FBN1):c.1586G>A (p.Arg529Gln)

Gene: FBN1 (fibrillin 1; minus strand). Cytogenetic location: 15q21.1.
Variant type: single nucleotide variant.
Coding change: c.1586G>A on transcript NM_000138.5 (MANE Select); coding-DNA position 1586, G replaced by A.
Protein change: p.Arg529Gln; replaces arginine 529 with glutamine.
Molecular consequence: missense variant.
Genome position (GRCh38, 1-based): chr15:48,513,551, C>T on the plus strand (G>A on the coding strand, the complement: FBN1 is on the minus strand). VCF-style: chr15-48513551-C-T. GRCh37 (hg19) VCF-style: chr15-48805748-C-T.
Other names: short protein forms R529Q.
Identifiers: ClinVar variation 928341 (VCV000928341.19), dbSNP rs1441536824, ClinGen allele CA392341955.

ClinVar aggregate classification (germline): Uncertain significance. Review status: criteria provided, multiple submitters, no conflicts (2 of 4 stars). 7 submissions from 7 submitters: Uncertain significance (7). Last evaluated 2025-10-28.

Conditions:
Marfan syndrome (MFS). Also called: Marfan syndrome, classic; Marfan syndrome type 1; Marfan's syndrome; FBN1-Related Marfan Syndrome; MARFAN SYNDROME, TYPE I. Identifiers: Orphanet 284963, Orphanet 558, MedGen C0024796, MONDO:0007947, OMIM 154700.
Familial thoracic aortic aneurysm and aortic dissection (TAAD). Also called: Thoracic aortic aneurysms and dissections. Identifiers: Orphanet 91387, MedGen C4707243, MONDO:0019625.

Allele frequency attached by ClinVar (database versions not stated): gnomAD exomes 0.00001 and 0.00002; gnomAD 0.00001; TOPMed 0.00001.
gnomAD v4.1: 13 of 1,613,848 alleles (0.00081%); highest among the groups gnomAD compares: East Asian, 0.0089%; no homozygotes.

Submissions (7):

Color Diagnostics, LLC DBA Color Health
Classification: Uncertain significance for Familial thoracic aortic aneurysm and aortic dissection. Last evaluated: 2025-10-28. Review status: criteria provided, single submitter. Criteria: ACMG Guidelines, 2015. Collection method: clinical testing. Allele origin: germline.
Comment: This missense variant replaces arginine with glutamine at codon 529 of the FBN1 protein. Computational prediction suggests that this variant may have deleterious impact on protein structure and function. To our knowledge, functional studies have not been reported for this variant. This variant has been reported in an individual affected with bicuspid aortic valve without Marfan syndrome, who had a family history of thoracic aortic aneurysm (PMID: 24564502). This variant has also been reported in an individual affected with incomplete Marfan syndrome phenotype. This variant has been identified in 13/1613848 chromosomes in the general population by the Genome Aggregation Database (gnomAD). The available evidence is insufficient to determine the role of this variant in disease conclusively. Therefore, this variant is classified as a Variant of Uncertain Significance.

Women's Health and Genetics/Laboratory Corporation of America, LabCorp
Classification: Uncertain significance. Last evaluated: 2024-07-02. Review status: criteria provided, single submitter. Criteria: LabCorp Variant Classification Summary - May 2015. Collection method: clinical testing. Allele origin: germline.
Comment: Variant summary: FBN1 c.1586G>A (p.Arg529Gln) results in a conservative amino acid change located in the EGF-like domain of the encoded protein sequence. Three of five in-silico tools predict a damaging effect of the variant on protein function. Consensus agreement among computation tools predict no significant impact on normal splicing. However, these predictions have yet to be confirmed by functional studies. The variant allele was found at a frequency of 2e-05 in 251252 control chromosomes (gnomAD). The available data on variant occurrences in the general population are insufficient to allow any conclusion about variant significance. c.1586G>A has been reported in the literature in at least an individual affected with aortic root aneurysm and aortic regurgitation (example: Pepe_2014). These report(s) do not provide unequivocal conclusions about association of the variant with Marfan Syndrome. To our knowledge, no experimental evidence demonstrating an impact on protein function has been reported. The following publication has been ascertained in the context of this evaluation (PMID: 24564502). ClinVar contains an entry for this variant (Variation ID: 928341). Based on the evidence outlined above, the variant was classified as uncertain significance.

Labcorp Genetics (formerly Invitae), Labcorp
Classification: Uncertain significance for Marfan syndrome; Familial thoracic aortic aneurysm and aortic dissection. Last evaluated: 2024-04-02. Review status: criteria provided, single submitter. Criteria: Invitae Variant Classification Sherloc (09022015). Collection method: clinical testing. Allele origin: germline.
Comment: This sequence change replaces arginine, which is basic and polar, with glutamine, which is neutral and polar, at codon 529 of the FBN1 protein (p.Arg529Gln). This variant is present in population databases (no rsID available, gnomAD 0.02%). This missense change has been observed in individual(s) with bicuspid aortic valve (PMID: 24564502). ClinVar contains an entry for this variant (Variation ID: 928341). An algorithm developed to predict the effect of missense changes on protein structure and function (PolyPhen-2) suggests that this variant¬¨‚Ä†is likely to be tolerated. In summary, the available evidence is currently insufficient to determine the role of this variant in disease. Therefore, it has been classified as a Variant of Uncertain Significance.

All of Us Research Program, National Institutes of Health
Classification: Uncertain significance for Marfan syndrome. Last evaluated: 2023-12-01. Review status: criteria provided, single submitter. Criteria: ACMG Guidelines, 2015. Collection method: clinical testing. Allele origin: germline. Inheritance: Autosomal dominant inheritance. Observed: 1 variant allele, 1 heterozygote.
Comment: This missense variant replaces arginine with glutamine at codon 529 of the FBN1 protein. Computational prediction suggests that this variant may have deleterious impact on protein structure and function (internally defined REVEL score threshold >= 0.7, PMID: 27666373). To our knowledge, functional studies have not been reported for this variant. This variant has been identified in 5/251252 chromosomes in the general population by the Genome Aggregation Database (gnomAD). The available evidence is insufficient to determine the role of this variant in disease conclusively. Therefore, this variant is classified as a Variant of Uncertain Significance.

This study involves interpretation of variants in research participants for the purpose of population health screening. Participant phenotype was not available at the time of variant classification. Additional details can be found in publication PMID: 35346344, PMCID: PMC8962531

CHEO Genetics Diagnostic Laboratory, Children's Hospital of Eastern Ontario
Classification: Uncertain significance for Familial thoracic aortic aneurysm and aortic dissection. Last evaluated: 2023-04-03. Review status: criteria provided, single submitter. Criteria: ACMG Guidelines, 2015. Collection method: clinical testing. Allele origin: germline.

ARUP Laboratories, Molecular Genetics and Genomics, ARUP Laboratories
Classification: Uncertain significance. Last evaluated: 2020-03-13. Review status: criteria provided, single submitter. Criteria: ARUP Molecular Germline Variant Investigation Process. Collection method: clinical testing. Allele origin: germline.
Comment: The FBN1 c.1586G>A; p.Arg529Gln variant (rs1441536824) is reported in individuals affected with an incomplete Marfan syndrome phenotype (Pepe 2014, see link to UMD-FBN1 database). This variant is only observed on five alleles in the Genome Aggregation Database, indicating it is not a common polymorphism. The arginine at codon 529 is moderately conserved, and computational analyses (SIFT, PolyPhen-2) predict that this variant is deleterious. Due to limited information, the clinical significance of the p.Arg529Gln variant is uncertain at this time. References: Link to UMD-FBN1 mutations database for p.Arg529Gln: Pepe G et al. Identification of fibrillin 1 gene mutations in patients with bicuspid aortic valve (BAV) without Marfan syndrome. BMC Med Genet. 2014 Feb 24;15:23.

GeneDx
Classification: Uncertain significance. Last evaluated: 2019-08-09. Review status: criteria provided, single submitter. Criteria: GeneDx Variant Classification Process June 2021. Collection method: clinical testing. Allele origin: germline. Affected: yes.
Comment: Not observed at a significant frequency in large population cohorts (Lek et al., 2016); In silico analysis, which includes protein predictors and evolutionary conservation, supports that this variant does not alter protein structure/function; Although located within the EGF-like calcium-binding domain, it does not affect a cysteine residue within this domain; cysteine substitutions in the calcium-binding EGF-like domains represent the majority of pathogenic missense changes associated with FBN1-related disorders (Collod-Beroud et al., 2003); This variant is associated with the following publications: (PMID: 24564502)

Literature cited by the submitters: PubMed 24564502 (cited by 4 submitters).